The following is an entry in ClinVar:

ClinVar aggregate classification (germline): Uncertain significance (1 of 4 stars; one submission).

Submission:

GeneDx
Classification: Uncertain significance. Last evaluated: 2022-04-01. Review status: criteria provided, single submitter. Criteria: GeneDx Variant Classification Process June 2021. Collection method: clinical testing. Allele origin: germline. Affected: yes.
Comment: Not observed at significant frequency in large population cohorts (gnomAD); In silico analysis supports that this missense variant has a deleterious effect on protein structure/function; Has not been previously published as pathogenic or benign to our knowledge; This variant is associated with the following publications: (PMID: 21139634, 26094131)

NM_014946.4(SPAST):c.183C>G (p.Phe61Leu)

Gene: SPAST (spastin; plus strand). Cytogenetic location: 2p22.3.
Variant type: single nucleotide variant.
Coding change: c.183C>G on transcript NM_014946.4 (MANE Select); coding-DNA position 183, C replaced by G.
Protein change: p.Phe61Leu; replaces phenylalanine 61 with leucine.
Molecular consequence: missense variant.
Genome position (GRCh38, 1-based): chr2:32,064,014, C>G. VCF-style: chr2-32064014-C-G. GRCh37 (hg19) VCF-style: chr2-32289083-C-G.
Other names: c.183C>G, p.Phe61Leu (NM_001363823.2, NM_001363875.2, NM_001377959.1 and 1 more transcripts); short protein forms F61L.
Identifiers: ClinVar variation 1707912 (VCV001707912.2), dbSNP rs2465681227, ClinGen allele CA346601611.